The following is an entry in ClinVar:

ClinVar aggregate classification (germline): Conflicting classifications of pathogenicity. Review status: criteria provided, conflicting classifications (1 of 4 stars). 3 submissions from 3 submitters: Likely pathogenic (1); Uncertain significance (2). Last evaluated 2024-10-03.

Conditions:
Inborn genetic diseases. Identifiers: MedGen C0950123, MeSH D030342.

Submissions (3):

Blueprint Genetics
Classification: Uncertain significance. Last evaluated: 2024-10-03. Review status: criteria provided, single submitter. Criteria: ACMG Guidelines, 2015. Collection method: clinical testing. Allele origin: germline.

Ambry Genetics
Classification: Uncertain significance for Inborn genetic diseases. Last evaluated: 2023-12-04. Review status: criteria provided, single submitter. Criteria: Ambry Variant Classification Scheme 2023. Collection method: clinical testing. Allele origin: germline.
Comment: The c.1957C>T (p.R653W) alteration is located in exon 13 (coding exon 12) of the POGZ gene. This alteration results from a C to T substitution at nucleotide position 1957, causing the arginine (R) at amino acid position 653 to be replaced by a tryptophan (W). Based on data from gnomAD, the T allele has an overall frequency of 0.003% (1/31404) total alleles studied. The highest observed frequency was <0.001% (European (Finnish)) of alleles. Another alteration at the same codon, c.1958G>A (p.R653Q), has been detected in a neurodevelopmental delay cohort (Wang, 2020). This amino acid position is highly conserved in available vertebrate species. This alteration is predicted to be deleterious by in silico analysis. Based on insufficient or conflicting evidence, the clinical significance of this alteration remains unclear.

CeGaT Center for Human Genetics Tuebingen
Classification: Likely pathogenic. Last evaluated: 2022-05-01. Review status: criteria provided, single submitter. Criteria: CeGaT Center For Human Genetics Tuebingen Variant Classification Criteria Version 2. Collection method: clinical testing. Allele origin: germline. Affected: yes. Observed: 1 variant allele.
Comment: POGZ: PM1, PM2, PM6:Supporting, PP2

Literature cited by the submitters: PubMed 33004838 (cited by Ambry Genetics).

NM_015100.4(POGZ):c.1957C>T (p.Arg653Trp)

Gene: POGZ (pogo transposable element derived with ZNF domain; minus strand). Cytogenetic location: 1q21.3.
Variant type: single nucleotide variant.
Coding change: c.1957C>T on transcript NM_015100.4 (MANE Select); coding-DNA position 1957, C replaced by T.
Protein change: p.Arg653Trp; replaces arginine 653 with tryptophan.
Molecular consequence: missense variant.
Genome position (GRCh38, 1-based): chr1:151,408,798, G>A on the plus strand (C>T on the coding strand, the complement: POGZ is on the minus strand). VCF-style: chr1-151408798-G-A. GRCh37 (hg19) VCF-style: chr1-151381274-G-A.
Other names: c.1930C>T, p.Arg644Trp (NM_001194937.2); c.1771C>T, p.Arg591Trp (NM_001194938.2); c.1672C>T, p.Arg558Trp (NM_145796.4); c.1798C>T, p.Arg600Trp (NM_207171.2); c.1957C>T (NM_015100.3); short protein forms R558W, R591W, R600W, R644W, R653W.
Identifiers: ClinVar variation 1675372 (VCV001675372.35), dbSNP rs1360984931, ClinGen allele CA341960176.
Genomic context (GRCh38, chr1:151,408,798, plus strand): 5'-AGGTTTTATGGTGTTGAAGCTTGTGTTCAATTTTGTCCTTGGCAAAGAGAAACTGCAGCC[G>A]GCATTTGTTGCAGTGATAAACATTTCTCTTCTGAAGTGGGGGAGGGAAAAAAAGAGACAA-3'
Protein context (NP_055915.2, residues 643-663): KRNVYHCNKC[Arg653Trp]LQFLFAKDKI